The following is an entry in ClinVar:

ClinVar aggregate classification (germline): Uncertain significance (1 of 4 stars; one submission).

gnomAD v4.1: 2 of 1,598,226 alleles (0.00013%); no homozygotes.

Submission:

Labcorp Genetics (formerly Invitae), Labcorp
Classification: Uncertain significance. Last evaluated: 2022-10-24. Review status: criteria provided, single submitter. Criteria: Invitae Variant Classification Sherloc (09022015). Collection method: clinical testing. Allele origin: germline.
Comment: This variant is not present in population databases (gnomAD no frequency). This sequence change falls in intron 13 of the MICAL1 gene. It does not directly change the encoded amino acid sequence of the MICAL1 protein. This variant has not been reported in the literature in individuals affected with MICAL1-related conditions. Algorithms developed to predict the effect of sequence changes on RNA splicing suggest that this variant may disrupt the consensus splice site. In summary, the available evidence is currently insufficient to determine the role of this variant in disease. Therefore, it has been classified as a Variant of Uncertain Significance.

NM_022765.4(MICAL1):c.1856-10C>G

Gene: MICAL1 (microtubule associated monooxygenase, calponin and LIM domain containing 1; minus strand). Cytogenetic location: 6q21.
Variant type: single nucleotide variant.
Coding change: c.1856-10C>G on transcript NM_022765.4 (MANE Select); 10 bases into the intron before coding-DNA position 1856, C replaced by G.
Molecular consequence: intron variant.
Genome position (GRCh38, 1-based): chr6:109,447,973, G>C on the plus strand (C>G on the coding strand, the complement: MICAL1 is on the minus strand). VCF-style: chr6-109447973-G-C. GRCh37 (hg19) VCF-style: chr6-109769176-G-C.
Other names: c.1913-10C>G (NM_001286613.2); c.1598-10C>G (NM_001159291.2).
Identifiers: ClinVar variation 1989021 (VCV001989021.4), dbSNP rs1374660798, ClinGen allele CA2580074765.